The following is an entry in ClinVar:

NM_022042.4(SLC26A1):c.1958T>C (p.Val653Ala)

Genes: IDUA (alpha-L-iduronidase; plus strand), SLC26A1 (solute carrier family 26 member 1; minus strand). Cytogenetic location: 4p16.3.
Variant type: single nucleotide variant.
Coding change: c.1958T>C on transcript NM_022042.4 (MANE Select); coding-DNA position 1958, T replaced by C.
Protein change: p.Val653Ala; replaces valine 653 with alanine.
Molecular consequence: missense variant. On other transcripts: intron variant (2).
Genome position (GRCh38, 1-based): chr4:988,981, A>G on the plus strand (T>C on the coding strand, the complement: SLC26A1 is on the minus strand). VCF-style: chr4-988981-A-G. GRCh37 (hg19) VCF-style: chr4-982769-A-G.
Other names: c.1958T>C, p.Val653Ala (NM_213613.4); c.576+2147T>C (NM_134425.4); c.299+1032A>G (NM_000203.5); short protein forms V653A.
Identifiers: ClinVar variation 3020773 (VCV003020773.6), dbSNP rs199622307, ClinGen allele CA2801218.

ClinVar aggregate classification (germline): Uncertain significance. Review status: criteria provided, multiple submitters, no conflicts (2 of 4 stars). 3 submissions from 3 submitters: Uncertain significance (3). Last evaluated 2025-10-15.

Conditions:
Hypersulfaturia (HYSULF). Identifiers: MedGen C5830511, MONDO:0957268, OMIM 620372.
Nephrolithiasis susceptibility caused by SLC26A1 (CAON1). Also called: NEPHROLITHIASIS, CALCIUM OXALATE, 1. Identifiers: MedGen C5779632, MONDO:0020722, OMIM 167030.

Allele frequency attached by ClinVar (database versions not stated): gnomAD 0.00009; gnomAD exomes 0.00011; ExAC 0.00029; TOPMed 0.00004; ESP Exome Variant Server 0.00008.
gnomAD v4.1: 172 of 1,594,976 alleles (0.011%); highest among the groups gnomAD compares: South Asian, 0.077%; no homozygotes.

Submissions (3):

Labcorp Genetics (formerly Invitae), Labcorp
Classification: Uncertain significance. Last evaluated: 2025-10-15. Review status: criteria provided, single submitter. Criteria: Invitae Variant Classification Sherloc (09022015). Collection method: clinical testing. Allele origin: germline.
Comment: This sequence change replaces valine, which is neutral and non-polar, with alanine, which is neutral and non-polar, at codon 653 of the SLC26A1 protein (p.Val653Ala). This variant is present in population databases (rs199622307, gnomAD 0.08%), and has an allele count higher than expected for a pathogenic variant. This variant has not been reported in the literature in individuals affected with SLC26A1-related conditions. ClinVar contains an entry for this variant (Variation ID: 3020773). Invitae Evidence Modeling of protein sequence and biophysical properties (such as structural, functional, and spatial information, amino acid conservation, physicochemical variation, residue mobility, and thermodynamic stability) indicates that this missense variant is not expected to disrupt SLC26A1 protein function with a negative predictive value of 80%. In summary, the available evidence is currently insufficient to determine the role of this variant in disease. Therefore, it has been classified as a Variant of Uncertain Significance.

Fulgent Genetics
Classification: Uncertain significance for Nephrolithiasis susceptibility caused by SLC26A1; Hypersulfaturia. Last evaluated: 2024-02-28. Review status: criteria provided, single submitter. Criteria: ACMG Guidelines, 2015. Collection method: clinical testing. Allele origin: germline.

Neuberg Centre For Genomic Medicine, NCGM
Classification: Uncertain significance for Nephrolithiasis susceptibility caused by SLC26A1. Last evaluated: 2023-05-20. Review status: criteria provided, single submitter. Criteria: ACMG Guidelines, 2015. Collection method: clinical testing. Allele origin: germline. Inheritance: Autosomal recessive inheritance. Affected: yes.
Comment: The observed missense variant c.1958T>C(p.Val653Ala) in SLC26A1 gene has not been reported previously as a pathogenic variant nor as a benign variant, to our knowledge. The c.1958T>C variant has 0.02% allele frequency in gnomAD Exomes. The amino acid Valine at position 653 is changed to a Alanine changing protein sequence and it might alter its composition and physico-chemical properties. Multiple lines of computational evidence (Polyphen-probabaly damaging, SIFT-damaging and Mutation Taster-disease causing) predict a damaging effect on protein structure and function for this variant. The reference amino acid p.Val653Ala in SLC26A1 is predicted as conserved by GERP++ and PhyloP across 100 vertebrates. For these reasons, this variant has been classified as Uncertain Significance.